The following is an entry in ClinVar:

ClinVar aggregate classification (germline): Pathogenic (1 of 4 stars; one submission).

Conditions:
Parathyroid carcinoma (PRTC). Also called: CDC73-Related Parathyroid Carcinoma; Parathyroid gland carcinoma. Identifiers: Orphanet 143, MedGen C0687150, MONDO:0012004, OMIM 608266, HP:0006780.

Submission:

Labcorp Genetics (formerly Invitae), Labcorp
Classification: Pathogenic for Parathyroid carcinoma. Last evaluated: 2020-07-02. Review status: criteria provided, single submitter. Criteria: Invitae Variant Classification Sherloc (09022015). Collection method: clinical testing. Allele origin: germline.
Comment: This variant is a gross deletion of the genomic region encompassing exons 12-17 of the CDC73 gene. The 5' boundary is likely confined to intron 11. The 3' end of this event is unknown as it extends through the termination codon beyond the assayed region for this gene and may encompass additional genes. While this deletion is not anticipated to result in nonsense mediated decay, it is expected to create a truncated protein product or disrupt mRNA translation. For these reasons, this variant has been classified as Pathogenic. This variant disrupts the C-terminus of the CDC73 protein. Other variant(s) that disrupt this region (p.Ile469Asnfs*4) have been determined to be pathogenic (PMID: Invitae). This suggests that variants that disrupt this region of the protein are likely to be causative of disease. Experimental studies and prediction algorithms are not available or were not evaluated, and the functional significance of this variant is currently unknown. This variant has not been reported in the literature in individuals with CDC73-related conditions.

NC_000001.10:g.(?_193181185)_(193219842_?)del

Gene: CDC73 (cell division cycle 73; plus strand). Cytogenetic location: 1q31.2.
Variant type: Deletion.
Identifiers: ClinVar variation 1069683 (VCV001069683.3).